The following is an entry in ClinVar:

NM_177438.3(DICER1):c.4804G>A (p.Ala1602Thr)

Gene: DICER1 (dicer 1, ribonuclease III; minus strand). Cytogenetic location: 14q32.13.
Variant type: single nucleotide variant.
Coding change: c.4804G>A on transcript NM_177438.3 (MANE Select); coding-DNA position 4804, G replaced by A.
Protein change: p.Ala1602Thr; replaces alanine 1602 with threonine.
Molecular consequence: missense variant.
Genome position (GRCh38, 1-based): chr14:95,096,116, C>T on the plus strand (G>A on the coding strand, the complement: DICER1 is on the minus strand). VCF-style: chr14-95096116-C-T. GRCh37 (hg19) VCF-style: chr14-95562453-C-T.
Other names: c.4804G>A, p.Ala1602Thr (NM_001195573.1, NM_001271282.3, NM_001291628.2 and 1 more transcripts); short protein forms A1602T.
Identifiers: ClinVar variation 412054 (VCV000412054.30), dbSNP rs145669719, ClinGen allele CA7330795.

ClinVar aggregate classification (germline): Conflicting classifications of pathogenicity. Review status: criteria provided, conflicting classifications (1 of 4 stars). 5 submissions from 5 submitters: Uncertain significance (4); Likely benign (1). Last evaluated 2026-01-26.

Conditions:
DICER1-related tumor predisposition. Also called: DICER1-related pleuropulmonary blastoma cancer predisposition syndrome; DICER1 syndrome. Identifiers: Orphanet 284343, MedGen C3839822, MONDO:0100216.
Hereditary cancer-predisposing syndrome. Also called: Hereditary neoplastic syndrome; Neoplastic Syndromes, Hereditary; Tumor predisposition; Hereditary Cancer Syndrome. Identifiers: Orphanet 140162, MedGen C0027672, MeSH D009386, MONDO:0015356.

Allele frequency attached by ClinVar (database versions not stated): gnomAD exomes 0.00010 and 0.00014; gnomAD 0.00011; ExAC 0.00012; ESP Exome Variant Server 0.00023.
gnomAD v4.1: 218 of 1,614,064 alleles (0.014%); highest among the groups gnomAD compares: Non-Finnish European, 0.016%; no homozygotes.

Submissions (5):

Labcorp Genetics (formerly Invitae), Labcorp
Classification: Likely benign for DICER1-related tumor predisposition. Last evaluated: 2026-01-26. Review status: criteria provided, single submitter. Criteria: Invitae Variant Classification Sherloc (09022015). Collection method: clinical testing. Allele origin: germline.

Center for Genomic Medicine, Rigshospitalet, Copenhagen University Hospital
Classification: Uncertain significance. Last evaluated: 2025-03-04. Review status: criteria provided, single submitter. Criteria: ACMG Guidelines, 2015. Collection method: clinical testing. Allele origin: germline.

Ambry Genetics
Classification: Uncertain significance for Hereditary cancer-predisposing syndrome. Last evaluated: 2025-01-08. Review status: criteria provided, single submitter. Criteria: Ambry Variant Classification Scheme 2023. Collection method: clinical testing. Allele origin: germline.

Sema4
Classification: Uncertain significance for Hereditary cancer-predisposing syndrome. Last evaluated: 2022-01-02. Review status: criteria provided, single submitter. Criteria: Sema4 Curation Guidelines. Collection method: curation. Allele origin: germline.
Comment: To the best of our knowledge, the DICER1 c.4804G>A (p.A1602T) variant has not been reported in individuals with DICER1-related disease. It was observed in 4/24966 chromosomes of the African/African American subpopulation in the large and broad cohorts of the Genome Aggregation Database (PMID: 32461654). The variant has been reported in ClinVar (Variation ID 412054). In silico tools suggest the impact of the variant on protein function is benign though these predictions have not been confirmed by functional studies. The evidence is insufficient to meet ACMG/AMP criteria for classifying the variant as benign or pathogenic. Thus, the clinical significance of this variant is currently uncertain.

St. Jude Molecular Pathology, St. Jude Children's Research Hospital
Classification: Uncertain significance for DICER1-related tumor predisposition. Last evaluated: 2021-06-17. Review status: criteria provided, single submitter. Criteria: St. Jude Assertion Criteria 2020. Collection method: clinical testing. Allele origin: germline.
Comment: The DICER1 c.4804G>A (p.Ala1602Thr) missense change has a maximum subpopulation frequency of 0.016% in gnomAD v2.1.1. Five of seven in silico tools predict a benign effect of this variant on protein function (BP4), but to our knowledge these predictions have not been confirmed by functional assays. Although this variant occurs in a gene where missense variants are more likely to be damaging (PMID: 27535533), the variant lies at a residue that has a constrained coding region score of 0 and is not predicted to be more damaging based on methods described by Havrilla et al (PMID: 30531870). This variant was identified in 1/1358 non-cancer control individuals in a study of individuals with multiple primary cancers (PMID: 29641532). To our knowledge, this variant has not been reported in individuals with DICER1 syndrome. In summary, this variant meets criteria to be classified as of uncertain significance based on the ACMG/AMP criteria: BP4.